The following is an entry in ClinVar:

ClinVar aggregate classification (germline): Benign/Likely benign. Review status: criteria provided, multiple submitters, no conflicts (2 of 4 stars). 3 submissions from 3 submitters: Benign (1); Likely benign (2). Last evaluated 2026-01-01.

Allele frequency attached by ClinVar (database versions not stated): gnomAD 0.00367; TOPMed 0.00393; 1000 Genomes Project 0.00399; ESP Exome Variant Server 0.00469; 1000 Genomes Project 30x 0.00484.

Submissions (3):

CeGaT Center for Human Genetics Tuebingen
Classification: Likely benign. Last evaluated: 2026-01-01. Review status: criteria provided, single submitter. Criteria: CeGaT Center For Human Genetics Tuebingen Variant Classification Criteria Version 2. Collection method: clinical testing. Allele origin: germline. Affected: yes. Observed: 1 variant allele.
Comment: EHHADH: BP4, BS1

Mayo Clinic Laboratories, Mayo Clinic
Classification: Likely benign. Last evaluated: 2025-08-13. Review status: criteria provided, single submitter. Criteria: ACMG Guidelines, 2015. Collection method: clinical testing. Allele origin: germline. Observed: 3 variant alleles.
Comment: BS2, BP4_moderate

Labcorp Genetics (formerly Invitae), Labcorp
Classification: Benign. Last evaluated: 2019-12-31. Review status: criteria provided, single submitter. Criteria: Invitae Variant Classification Sherloc (09022015). Collection method: clinical testing. Allele origin: germline.

NM_001966.4(EHHADH):c.1003A>G (p.Thr335Ala)

Gene: EHHADH (enoyl-CoA hydratase and 3-hydroxyacyl CoA dehydrogenase; minus strand). Cytogenetic location: 3q27.2.
Variant type: single nucleotide variant.
Coding change: c.1003A>G on transcript NM_001966.4 (MANE Select); coding-DNA position 1003, A replaced by G.
Protein change: p.Thr335Ala; replaces threonine 335 with alanine.
Molecular consequence: missense variant.
Genome position (GRCh38, 1-based): chr3:185,193,395, T>C on the plus strand (A>G on the coding strand, the complement: EHHADH is on the minus strand). VCF-style: chr3-185193395-T-C. GRCh37 (hg19) VCF-style: chr3-184911183-T-C.
Other names: p.Thr335Ala; c.715A>G, p.Thr239Ala (NM_001166415.2); short protein forms T239A, T335A.
Identifiers: ClinVar variation 724974 (VCV000724974.9), dbSNP rs58044717, ClinGen allele CA2739061.